The following is an entry in ClinVar:

ClinVar aggregate classification (germline): Uncertain significance (1 of 4 stars; one submission).

Allele frequency attached by ClinVar (database versions not stated): gnomAD exomes below 0.00001.
gnomAD v4.1: 1 of 1,613,984 alleles (0.000062%); highest among the groups gnomAD compares: South Asian, 0.0011%; no homozygotes.

Submission:

Labcorp Genetics (formerly Invitae), Labcorp
Classification: Uncertain significance. Last evaluated: 2022-09-26. Review status: criteria provided, single submitter. Criteria: Invitae Variant Classification Sherloc (09022015). Collection method: clinical testing. Allele origin: germline.
Comment: Advanced modeling of protein sequence and biophysical properties (such as structural, functional, and spatial information, amino acid conservation, physicochemical variation, residue mobility, and thermodynamic stability) performed at Invitae indicates that this missense variant is not expected to disrupt FGG protein function. In summary, the available evidence is currently insufficient to determine the role of this variant in disease. Therefore, it has been classified as a Variant of Uncertain Significance. This sequence change replaces asparagine, which is neutral and polar, with histidine, which is basic and polar, at codon 345 of the FGG protein (p.Asn345His). This variant is not present in population databases (gnomAD no frequency). This variant has not been reported in the literature in individuals affected with FGG-related conditions.

NM_021870.3(FGG):c.1033A>C (p.Asn345His)

Gene: FGG (fibrinogen gamma chain; minus strand). Cytogenetic location: 4q32.1.
Variant type: single nucleotide variant.
Coding change: c.1033A>C on transcript NM_021870.3 (MANE Select); coding-DNA position 1033, A replaced by C.
Protein change: p.Asn345His; replaces asparagine 345 with histidine.
Molecular consequence: missense variant.
Genome position (GRCh38, 1-based): chr4:154,606,801, T>G on the plus strand (A>C on the coding strand, the complement: FGG is on the minus strand). VCF-style: chr4-154606801-T-G. GRCh37 (hg19) VCF-style: chr4-155527953-T-G.
Other names: c.1033A>C, p.Asn345His (NM_000509.6); short protein forms N345H.
Identifiers: ClinVar variation 2032733 (VCV002032733.4), dbSNP rs2530855833, ClinGen allele CA358535743.